The following is an entry in ClinVar:

ClinVar aggregate classification (germline): Uncertain significance. Review status: criteria provided, multiple submitters, no conflicts (2 of 4 stars). 2 submissions from 2 submitters: Uncertain significance (2). Last evaluated 2024-09-23.

Conditions:
Neuropathy, hereditary sensory and autonomic, type 2A (HSAN2A). Also called: ACROOSTEOLYSIS, GIACCAI TYPE; ACROOSTEOLYSIS, NEUROGENIC; MORVAN DISEASE; NEUROPATHY, CONGENITAL SENSORY; NEUROPATHY, HEREDITARY SENSORY RADICULAR, AUTOSOMAL RECESSIVE; NEUROPATHY, HEREDITARY SENSORY, TYPE IIA. Identifiers: Orphanet 970, MedGen C2752089, MONDO:0024309, OMIM 201300.
Generalized epilepsy with febrile seizures plus, type 7 (GEFSP7). Also called: GEFS+, TYPE 7. Identifiers: Orphanet 36387, MedGen C2751778, MONDO:0013470, OMIM 613863.

Allele frequency attached by ClinVar (database versions not stated): gnomAD exomes below 0.00001; TOPMed 0.00001; gnomAD 0.00002.
gnomAD v4.1: 4 of 1,613,864 alleles (0.00025%); highest among the groups gnomAD compares: Non-Finnish European, 0.00034%; no homozygotes.

Submissions (2):

GeneDx
Classification: Uncertain significance. Last evaluated: 2024-09-23. Review status: criteria provided, single submitter. Criteria: GeneDx Variant Classification Process June 2021. Collection method: clinical testing. Allele origin: germline. Affected: yes.
Comment: Not observed at significant frequency in large population cohorts (gnomAD); In silico analysis supports that this missense variant has a deleterious effect on protein structure/function; Has not been previously published as pathogenic or benign to our knowledge

Labcorp Genetics (formerly Invitae), Labcorp
Classification: Uncertain significance for Neuropathy, hereditary sensory and autonomic, type 2A; Generalized epilepsy with febrile seizures plus, type 7. Last evaluated: 2023-09-10. Review status: criteria provided, single submitter. Criteria: Invitae Variant Classification Sherloc (09022015). Collection method: clinical testing. Allele origin: germline.
Comment: In summary, the available evidence is currently insufficient to determine the role of this variant in disease. Therefore, it has been classified as a Variant of Uncertain Significance. Advanced modeling of protein sequence and biophysical properties (such as structural, functional, and spatial information, amino acid conservation, physicochemical variation, residue mobility, and thermodynamic stability) has been performed at Invitae for this missense variant, however the output from this modeling did not meet the statistical confidence thresholds required to predict the impact of this variant on SCN9A protein function. This variant has not been reported in the literature in individuals affected with SCN9A-related conditions. This variant is not present in population databases (gnomAD no frequency). This sequence change replaces isoleucine, which is neutral and non-polar, with threonine, which is neutral and polar, at codon 1885 of the SCN9A protein (p.Ile1885Thr).

NM_001365536.1(SCN9A):c.5687T>C (p.Ile1896Thr)

Genes: SCN9A (sodium voltage-gated channel alpha subunit 9; minus strand), SCN1A-AS1 (SCN1A and SCN9A antisense RNA 1; plus strand). Cytogenetic location: 2q24.3.
Variant type: single nucleotide variant.
Coding change: c.5687T>C on transcript NM_001365536.1 (MANE Select); coding-DNA position 5687, T replaced by C.
Protein change: p.Ile1896Thr; replaces isoleucine 1896 with threonine.
Molecular consequence: missense variant.
Genome position (GRCh38, 1-based): chr2:166,198,952, A>G on the plus strand (T>C on the coding strand, the complement: SCN9A is on the minus strand). VCF-style: chr2-166198952-A-G. GRCh37 (hg19) VCF-style: chr2-167055462-A-G.
Other names: c.5654T>C, p.Ile1885Thr (NM_002977.4); short protein forms I1885T, I1896T.
Identifiers: ClinVar variation 2951793 (VCV002951793.4), dbSNP rs1387965548, ClinGen allele CA349051719.